The following is an entry in ClinVar:

ClinVar aggregate classification (germline): Uncertain significance. Review status: criteria provided, multiple submitters, no conflicts (2 of 4 stars). 2 submissions from 2 submitters: Uncertain significance (2). Last evaluated 2024-05-24.

Conditions:
Atrial septal defect 3 (ASD3). Identifiers: Orphanet 1478, MedGen C3279790, MONDO:0013567, OMIM 614089.
Sick sinus syndrome 3, susceptibility to (SSS3). Identifiers: Orphanet 166282, MedGen C3279791, MONDO:0013568, OMIM 614090.
Dilated cardiomyopathy 1EE (CMD1EE). Identifiers: Orphanet 154, MedGen C2750466, MONDO:0013198, OMIM 613252.
Hypertrophic cardiomyopathy 14. Identifiers: MedGen C2750467, MONDO:0013197, OMIM 613251.

Allele frequency attached by ClinVar (database versions not stated): gnomAD exomes below 0.00001; TOPMed below 0.00001; gnomAD 0.00001.
gnomAD v4.1: 4 of 1,614,138 alleles (0.00025%); highest among the groups gnomAD compares: East Asian, 0.0022%; no homozygotes.

Submissions (2):

GeneDx
Classification: Uncertain significance. Last evaluated: 2024-05-24. Review status: criteria provided, single submitter. Criteria: GeneDx Variant Classification Process June 2021. Collection method: clinical testing. Allele origin: germline. Affected: yes.
Comment: Not observed at significant frequency in large population cohorts (gnomAD); In silico analysis supports that this missense variant has a deleterious effect on protein structure/function; This variant is associated with the following publications: (PMID: 26899768)

Center for Genomics, Ann and Robert H. Lurie Children's Hospital of Chicago
Classification: Uncertain significance for Sick sinus syndrome 3, susceptibility to; Atrial septal defect 3; Dilated cardiomyopathy 1EE; Hypertrophic cardiomyopathy 14. Review status: criteria provided, single submitter. Criteria: ACMG Guidelines, 2015. Collection method: clinical testing. Allele origin: germline.
Comment: MYH6 NM_002471.3 exon 3 p.Arg17Cys (c.49C>T): This variant has been reported in the literature in one individual with DCM (Cuenca 2016 PMID:26899768). This variant is present in 0.003% (1/31406) of total alleles in the Genome Aggregation Database. This variant is present in ClinVar (Variation ID:429310). Evolutionary conservation and computational predictive tools suggest that this variant may impact the protein. In summary, data on this variant is insufficient for disease classification. Therefore, the clinical significance of this variant is uncertain.

NM_002471.4(MYH6):c.49C>T (p.Arg17Cys)

Genes: MYH6 (myosin heavy chain 6; minus strand), LOC114827851 (VISTA enhancer hs2155; plus strand). Cytogenetic location: 14q11.2.
Variant type: single nucleotide variant.
Coding change: c.49C>T on transcript NM_002471.4 (MANE Select); coding-DNA position 49, C replaced by T.
Protein change: p.Arg17Cys; replaces arginine 17 with cysteine.
Molecular consequence: missense variant.
Genome position (GRCh38, 1-based): chr14:23,407,175, G>A on the plus strand (C>T on the coding strand, the complement: MYH6 is on the minus strand). VCF-style: chr14-23407175-G-A. GRCh37 (hg19) VCF-style: chr14-23876384-G-A.
Other names: short protein forms R17C.
Identifiers: ClinVar variation 429310 (VCV000429310.5), dbSNP rs1131691313, ClinGen allele CA389032173.
Genomic context (GRCh38, chr14:23,407,175, plus strand): 5'-ACTCAGTGCGAATGTCAAAGGGCCGGGTCTGGGCCTCTAGACGCTCCTTCTCTGACTTGC[G>A]GAGGTACTGGGCCGCTGCCCCAAAGTCAGCCATCTGGGCATCGGTCATCTTGGTGCTTCC-3'
Protein context (NP_002462.2, residues 7-27): ADFGAAAQYL[Arg17Cys]KSEKERLEAQ